The following is an entry in ClinVar:

NM_000051.4(ATM):c.2095G>C (p.Glu699Gln)

Gene: ATM (ATM serine/threonine kinase; plus strand). Cytogenetic location: 11q22.3.
Variant type: single nucleotide variant.
Coding change: c.2095G>C on transcript NM_000051.4 (MANE Select); coding-DNA position 2095, G replaced by C.
Protein change: p.Glu699Gln; replaces glutamic acid 699 with glutamine.
Molecular consequence: missense variant.
Genome position (GRCh38, 1-based): chr11:108,254,010, G>C. VCF-style: chr11-108254010-G-C. GRCh37 (hg19) VCF-style: chr11-108124737-G-C.
Other names: c.2095G>C, p.Glu699Gln (NM_001351834.2); short protein forms E699Q.
Identifiers: ClinVar variation 407468 (VCV000407468.26), dbSNP rs1060501539, ClinGen allele CA16613085.

ClinVar aggregate classification (germline): Conflicting classifications of pathogenicity. Review status: criteria provided, conflicting classifications (1 of 4 stars). 6 submissions from 6 submitters: Uncertain significance (3); Benign (1); Likely benign (1). 1 of the submissions does not count toward it. Last evaluated 2026-07-21.

Conditions:
Familial cancer of breast. Also called: BREAST CANCER, FAMILIAL; hereditary breast carcinoma; Hereditary breast cancer. Identifiers: Orphanet 227535, MedGen C0346153, MONDO:0016419, OMIM 114480. Disease mechanism: loss of function.
Ataxia-telangiectasia syndrome (AT). Also called: Cerebello-oculocutaneous telangiectasia; Immunodeficiency with ataxia telangiectasia; LOUIS-BAR SYNDROME; Ataxia-telangiectasia, complementation group E; Ataxia-telangiectasia; ATAXIA-TELANGIECTASIA, COMPLEMENTATION GROUP A. Identifiers: Orphanet 100, MedGen C0004135, MONDO:0008840, OMIM 208900.
Hereditary cancer-predisposing syndrome. Also called: Neoplastic Syndromes, Hereditary; Hereditary Cancer Syndrome; Tumor predisposition; Hereditary neoplastic syndrome. Identifiers: Orphanet 140162, MedGen C0027672, MeSH D009386, MONDO:0015356.
Ovarian cancer. Also called: OVARIAN CANCER, SOMATIC. Identifiers: Orphanet 213500, MedGen C1140680, MONDO:0008170, OMIM 167000.

Allele frequency attached by ClinVar (database versions not stated): gnomAD below 0.00001 and 0.00001; gnomAD exomes below 0.00001 and 0.00001; TOPMed 0.00001.
gnomAD v4.1: 7 of 1,613,714 alleles (0.00043%); highest among the groups gnomAD compares: South Asian, 0.0055%; no homozygotes.

Submissions (6):

Ambry Genetics
Classification: Likely benign for Hereditary cancer-predisposing syndrome. Last evaluated: 2026-07-21. Review status: criteria provided, single submitter. Criteria: Ambry Variant Classification Scheme 2023. Collection method: clinical testing. Allele origin: germline.

Labcorp Genetics (formerly Invitae), Labcorp
Classification: Uncertain significance for Ataxia-telangiectasia syndrome. Last evaluated: 2025-09-09. Review status: criteria provided, single submitter. Criteria: Invitae Variant Classification Sherloc (09022015). Collection method: clinical testing. Allele origin: germline.
Comment: This sequence change replaces glutamic acid, which is acidic and polar, with glutamine, which is neutral and polar, at codon 699 of the ATM protein (p.Glu699Gln). This variant is present in population databases (no rsID available, gnomAD 0.01%). This missense change has been observed in individual(s) with endometrial, ovarian, and pancreatic cancer (PMID: 30093976, 35171259). ClinVar contains an entry for this variant (Variation ID: 407468). Invitae Evidence Modeling of protein sequence and biophysical properties (such as structural, functional, and spatial information, amino acid conservation, physicochemical variation, residue mobility, and thermodynamic stability) indicates that this missense variant is not expected to disrupt ATM protein function with a negative predictive value of 95%. In summary, the available evidence is currently insufficient to determine the role of this variant in disease. Therefore, it has been classified as a Variant of Uncertain Significance.

Baylor Genetics
Classification: Uncertain significance for Familial cancer of breast. Last evaluated: 2022-06-28. Review status: criteria provided, single submitter. Criteria: ACMG Guidelines, 2015. Collection method: clinical testing. Allele origin: unknown.

Color Diagnostics, LLC DBA Color Health
Classification: Uncertain significance for Hereditary cancer-predisposing syndrome. Last evaluated: 2022-02-17. Review status: criteria provided, single submitter. Criteria: ACMG Guidelines, 2015. Collection method: clinical testing. Allele origin: germline.
Comment: This missense variant replaces glutamic acid with glutamine at codon 699 of the ATM protein. Computational prediction suggests that this variant may not impact protein structure and function (internally defined REVEL score threshold <= 0.5, PMID: 27666373). To our knowledge, functional studies have not been reported for this variant. In a large international case-control study, this variant was reported in 2/60464 breast cancer cases and 0/53461 controls (PMID: 33471991). This variant has been identified in 2/251116 chromosomes in the general population by the Genome Aggregation Database (gnomAD). The available evidence is insufficient to determine the role of this variant in disease conclusively. Therefore, this variant is classified as a Variant of Uncertain Significance.

Laboratory of Molecular Epidemiology of Birth Defects, West China Second University Hospital, Sichuan University
Classification: Benign for Ovarian cancer. Last evaluated: 2022-01-01. Review status: criteria provided, single submitter. Criteria: ACMG Guidelines, 2015. Collection method: clinical testing. Allele origin: germline. Affected: yes.

Natera, Inc.
Classification: Uncertain significance for Ataxia-telangiectasia. Last evaluated: 2020-07-14. Review status: no assertion criteria provided. Collection method: clinical testing. Allele origin: germline. Not counted in ClinVar's aggregate classification.

Literature cited by the submitters: PubMed 30093976 (cited by Ambry Genetics and Labcorp Genetics (formerly Invitae), Labcorp); PubMed 40580951 (cited by Ambry Genetics); PubMed 35171259 (cited by Labcorp Genetics (formerly Invitae), Labcorp); PubMed 33471991 (cited by Color Diagnostics, LLC DBA Color Health).